The following is an entry in ClinVar:

ClinVar aggregate classification (germline): Conflicting classifications of pathogenicity. Review status: criteria provided, conflicting classifications (1 of 4 stars). 4 submissions from 4 submitters: Uncertain significance (1); Likely benign (2). 1 of the submissions does not count toward it. Last evaluated 2025-12-24.

Conditions:
Neuromuscular disease caused by qualitative or quantitative defects of dysferlin. Also called: Dysferlinopathy; Qualitative or quantitative defects of dysferlin. Identifiers: Orphanet 207073, MedGen C2931687, MONDO:0016145.
Autosomal recessive limb-girdle muscular dystrophy type 2B (LGMDR2). Also called: MUSCULAR DYSTROPHY, LIMB-GIRDLE, TYPE 3; Limb-Girdle Muscular Dystrophy Type 2B (LGMD2B); Limb-girdle muscular dystrophy, type 2B; MUSCULAR DYSTROPHY, LIMB-GIRDLE, AUTOSOMAL RECESSIVE 2. Identifiers: Orphanet 268, MedGen C1850889, MONDO:0009676, OMIM 253601.

Allele frequency attached by ClinVar (database versions not stated): TOPMed 0.00008.
gnomAD v4.1: 74 of 1,614,076 alleles (0.0046%); highest among the groups gnomAD compares: Admixed American, 0.02%; no homozygotes.

Submissions (4):

Labcorp Genetics (formerly Invitae), Labcorp
Classification: Likely benign for Neuromuscular disease caused by qualitative or quantitative defects of dysferlin. Last evaluated: 2025-12-24. Review status: criteria provided, single submitter. Criteria: Invitae Variant Classification Sherloc (09022015). Collection method: clinical testing. Allele origin: germline.

GeneDx
Classification: Likely benign. Last evaluated: 2017-11-21. Review status: criteria provided, single submitter. Criteria: GeneDx Variant Classification (06012015). Collection method: clinical testing. Allele origin: germline. Affected: yes.
Comment: This variant is considered likely benign or benign based on one or more of the following criteria: it is a conservative change, it occurs at a poorly conserved position in the protein, it is predicted to be benign by multiple in silico algorithms, and/or has population frequency not consistent with disease.

Eurofins Ntd Llc (ga)
Classification: Uncertain significance. Last evaluated: 2016-02-26. Review status: criteria provided, single submitter. Criteria: EGL Classification Definitions 2015. Collection method: clinical testing. Allele origin: germline. Observed: 1 variant allele, 1 heterozygote.

Natera, Inc.
Classification: Likely benign for Limb-girdle muscular dystrophy type 2B. Last evaluated: 2020-04-23. Review status: no assertion criteria provided. Collection method: clinical testing. Allele origin: germline. Not counted in ClinVar's aggregate classification.

NM_001130987.2(DYSF):c.1944G>T (p.Pro648=)

Gene: DYSF (dysferlin; plus strand). Cytogenetic location: 2p13.2.
Variant type: single nucleotide variant.
Coding change: c.1944G>T on transcript NM_001130987.2 (MANE Select); coding-DNA position 1944, G replaced by T.
Protein change: p.Pro648=; no amino-acid change (proline 648 retained).
Molecular consequence: synonymous variant.
Genome position (GRCh38, 1-based): chr2:71,553,148, G>T. VCF-style: chr2-71553148-G-T. GRCh37 (hg19) VCF-style: chr2-71780278-G-T.
Other names: c.1893G>T, p.Pro631= (NM_001130455.2, NM_001130983.2); c.1848G>T, p.Pro616= (NM_001130976.2, NM_001130977.2); c.1890G>T, p.Pro630= (NM_001130978.2, NM_003494.4); c.1983G>T, p.Pro661= (NM_001130979.2); c.1941G>T, p.Pro647= (NM_001130980.2, NM_001130981.2); c.1986G>T, p.Pro662= (NM_001130982.2); c.1851G>T, p.Pro617= (NM_001130984.2, NM_001130986.2); c.1944G>T, p.Pro648= (NM_001130985.2).
Identifiers: ClinVar variation 286468 (VCV000286468.16), dbSNP rs115849497, ClinGen allele CA1705986.